The following is an entry in ClinVar:

ClinVar aggregate classification (germline): Likely benign. Review status: criteria provided, multiple submitters, no conflicts (2 of 4 stars). 2 submissions from 2 submitters: Likely benign (2). Last evaluated 2019-10-13.

Conditions:
Hereditary cancer-predisposing syndrome. Also called: Hereditary Cancer Syndrome; Neoplastic Syndromes, Hereditary; Tumor predisposition; Hereditary neoplastic syndrome. Identifiers: Orphanet 140162, MedGen C0027672, MeSH D009386, MONDO:0015356.

Submissions (2):

Ambry Genetics
Classification: Likely benign for Hereditary cancer-predisposing syndrome. Last evaluated: 2019-10-13. Review status: criteria provided, single submitter. Criteria: Ambry Variant Classification Scheme 2023. Collection method: clinical testing. Allele origin: germline.

GeneDx
Classification: Likely benign. Last evaluated: 2017-12-20. Review status: criteria provided, single submitter. Criteria: GeneDx Variant Classification (06012015). Collection method: clinical testing. Allele origin: germline. Affected: yes.
Comment: This variant is considered likely benign or benign based on one or more of the following criteria: it is a conservative change, it occurs at a poorly conserved position in the protein, it is predicted to be benign by multiple in silico algorithms, and/or has population frequency not consistent with disease.

NM_001048174.2(MUTYH):c.1173C>G (p.Ala391=)

Gene: MUTYH (mutY DNA glycosylase; minus strand). Cytogenetic location: 1p34.1.
Variant type: single nucleotide variant.
Coding change: c.1173C>G on transcript NM_001048174.2 (MANE Select); coding-DNA position 1173, C replaced by G.
Protein change: p.Ala391=; no amino-acid change (alanine 391 retained).
Molecular consequence: synonymous variant. On other transcripts: non-coding transcript variant (2).
Genome position (GRCh38, 1-based): chr1:45,331,486, G>C on the plus strand (C>G on the coding strand, the complement: MUTYH is on the minus strand). VCF-style: chr1-45331486-G-C. GRCh37 (hg19) VCF-style: chr1-45797158-G-C.
Other names: c.1173C>G, p.Ala391= (NM_001048171.2, NM_001048173.2, NM_001293195.2); c.1176C>G, p.Ala392= (NM_001048172.2); c.1257C>G, p.Ala419= (NM_001128425.2); c.1218C>G, p.Ala406= (NM_001293190.2); c.1206C>G, p.Ala402= (NM_001293191.2); c.897C>G, p.Ala299= (NM_001293192.2, NM_001293196.2); c.828C>G, p.Ala276= (NM_001350650.2, NM_001350651.2); c.1248C>G, p.Ala416= (NM_012222.3).
Identifiers: ClinVar variation 514337 (VCV000514337.5), dbSNP rs1553125813, ClinGen allele CA417879846.